The following is an entry in ClinVar:

NM_006766.5(KAT6A):c.5449G>T (p.Ala1817Ser)

Gene: KAT6A (lysine acetyltransferase 6A; minus strand). Cytogenetic location: 8p11.21.
Variant type: single nucleotide variant.
Coding change: c.5449G>T on transcript NM_006766.5 (MANE Select); coding-DNA position 5449, G replaced by T.
Protein change: p.Ala1817Ser; replaces alanine 1817 with serine.
Molecular consequence: missense variant.
Genome position (GRCh38, 1-based): chr8:41,932,771, C>A on the plus strand (G>T on the coding strand, the complement: KAT6A is on the minus strand). VCF-style: chr8-41932771-C-A. GRCh37 (hg19) VCF-style: chr8-41790289-C-A.
Other names: short protein forms A1817S.
Identifiers: ClinVar variation 3679871 (VCV003679871.2).

ClinVar aggregate classification (germline): Uncertain significance (1 of 4 stars; one submission).

gnomAD v4.1: 8 of 1,614,026 alleles (0.0005%); highest among the groups gnomAD compares: Non-Finnish European, 0.00068%; no homozygotes.

Submission:

Labcorp Genetics (formerly Invitae), Labcorp
Classification: Uncertain significance. Last evaluated: 2024-09-30. Review status: criteria provided, single submitter. Criteria: Invitae Variant Classification Sherloc (09022015). Collection method: clinical testing. Allele origin: germline.
Comment: This sequence change replaces alanine, which is neutral and non-polar, with serine, which is neutral and polar, at codon 1817 of the KAT6A protein (p.Ala1817Ser). This variant is present in population databases (rs760447180, gnomAD 0.002%). This variant has not been reported in the literature in individuals affected with KAT6A-related conditions. Experimental studies and prediction algorithms are not available or were not evaluated, and the functional significance of this variant is currently unknown. In summary, the available evidence is currently insufficient to determine the role of this variant in disease. Therefore, it has been classified as a Variant of Uncertain Significance.